The following is an entry in ClinVar:

NM_001129.5(AEBP1):c.1246C>T (p.Arg416Trp)

Gene: AEBP1 (AE binding protein 1; plus strand). Cytogenetic location: 7p13.
Variant type: single nucleotide variant.
Coding change: c.1246C>T on transcript NM_001129.5 (MANE Select); coding-DNA position 1246, C replaced by T.
Protein change: p.Arg416Trp; replaces arginine 416 with tryptophan.
Molecular consequence: missense variant.
Genome position (GRCh38, 1-based): chr7:44,110,110, C>T. VCF-style: chr7-44110110-C-T. GRCh37 (hg19) VCF-style: chr7-44149709-C-T.
Other names: short protein forms R416W.
Identifiers: ClinVar variation 1910338 (VCV001910338.3), dbSNP rs764745972, ClinGen allele CA4237818.
Genomic context (GRCh38, chr7:44,110,110, plus strand): 5'-GAGGACAACCAGATCCGAGCCTCCTCCATGCTGCGCCACGGCCTGGGGGCACAGCGCGGC[C>T]GGCTCAACATGCAGGTGGGCATTGGGATGGGCCCATCTCCCAACTGGGATAAGGGACTCC-3'
Protein context (NP_001120.3, residues 406-426): LRHGLGAQRG[Arg416Trp]LNMQTGATED

ClinVar aggregate classification (germline): Uncertain significance (1 of 4 stars; one submission).

Allele frequency attached by ClinVar (database versions not stated): gnomAD 0.00001; ExAC 0.00003.

Submission:

Labcorp Genetics (formerly Invitae), Labcorp
Classification: Uncertain significance. Last evaluated: 2022-07-24. Review status: criteria provided, single submitter. Criteria: Invitae Variant Classification Sherloc (09022015). Collection method: clinical testing. Allele origin: germline.
Comment: This sequence change replaces arginine, which is basic and polar, with tryptophan, which is neutral and slightly polar, at codon 416 of the AEBP1 protein (p.Arg416Trp). In summary, the available evidence is currently insufficient to determine the role of this variant in disease. Therefore, it has been classified as a Variant of Uncertain Significance. Algorithms developed to predict the effect of missense changes on protein structure and function are either unavailable or do not agree on the potential impact of this missense change (SIFT: "Deleterious"; PolyPhen-2: "Probably Damaging"; Align-GVGD: "Class C0"). This variant has not been reported in the literature in individuals affected with AEBP1-related conditions. This variant is present in population databases (rs764745972, gnomAD 0.01%).